The following is an entry in ClinVar:

NM_001903.5(CTNNA1):c.1135C>G (p.Arg379Gly)

Gene: CTNNA1 (catenin alpha 1; plus strand). Cytogenetic location: 5q31.2.
Variant type: single nucleotide variant.
Coding change: c.1135C>G on transcript NM_001903.5 (MANE Select); coding-DNA position 1135, C replaced by G.
Protein change: p.Arg379Gly; replaces arginine 379 with glycine.
Molecular consequence: missense variant. On other transcripts: 5 prime UTR variant (5), intron variant (2).
Genome position (GRCh38, 1-based): chr5:138,886,284, C>G. VCF-style: chr5-138886284-C-G. GRCh37 (hg19) VCF-style: chr5-138221973-C-G.
Other names: c.1135C>G (NM_001903.2); c.1135C>G, p.Arg379Gly (NM_001290307.3, NM_001323982.2, NM_001323983.1 and 3 more transcripts); c.826C>G, p.Arg276Gly (NM_001290309.3); c.766C>G, p.Arg256Gly (NM_001290310.3); c.25C>G, p.Arg9Gly (NM_001290312.1, NM_001323987.1, NM_001323988.1 and 18 more transcripts); c.-373C>G (NM_001324006.1, NM_001324007.1, NM_001324008.1 and 1 more transcripts); c.-248C>G (NM_001324013.1); c.-58+10687C>G (NM_001324012.1); and 1 more; short protein forms R256G, R276G, R379G, R9G.
Identifiers: ClinVar variation 1046697 (VCV001046697.10), dbSNP rs773022966, ClinGen allele CA361132634.

ClinVar aggregate classification (germline): Uncertain significance. Review status: criteria provided, multiple submitters, no conflicts (2 of 4 stars). 3 submissions from 3 submitters: Uncertain significance (3). Last evaluated 2023-10-20.

Conditions:
Patterned macular dystrophy 2. Identifiers: Orphanet 99001, MedGen C1837029, MONDO:0012162, OMIM 608970.
Hereditary cancer-predisposing syndrome. Also called: Hereditary Cancer Syndrome; Tumor predisposition; Hereditary neoplastic syndrome; Neoplastic Syndromes, Hereditary. Identifiers: Orphanet 140162, MedGen C0027672, MeSH D009386, MONDO:0015356.

Allele frequency attached by ClinVar (database versions not stated): TOPMed below 0.00001.

Submissions (3):

Baylor Genetics
Classification: Uncertain significance for Patterned macular dystrophy 2. Last evaluated: 2023-10-20. Review status: criteria provided, single submitter. Criteria: ACMG Guidelines, 2015. Collection method: clinical testing. Allele origin: unknown.

Ambry Genetics
Classification: Uncertain significance for Hereditary cancer-predisposing syndrome. Last evaluated: 2023-09-07. Review status: criteria provided, single submitter. Criteria: Ambry Variant Classification Scheme 2023. Collection method: clinical testing. Allele origin: germline.
Comment: The p.R379G variant (also known as c.1135C>G), located in coding exon 7 of the CTNNA1 gene, results from a C to G substitution at nucleotide position 1135. The arginine at codon 379 is replaced by glycine, an amino acid with dissimilar properties. This amino acid position is conserved. In addition, this alteration is predicted to be deleterious by in silico analysis. Since supporting evidence is limited at this time, the clinical significance of this alteration remains unclear.

Labcorp Genetics (formerly Invitae), Labcorp
Classification: Uncertain significance. Last evaluated: 2022-08-16. Review status: criteria provided, single submitter. Criteria: Invitae Variant Classification Sherloc (09022015). Collection method: clinical testing. Allele origin: germline.
Comment: This sequence change replaces arginine, which is basic and polar, with glycine, which is neutral and non-polar, at codon 379 of the CTNNA1 protein (p.Arg379Gly). This variant is not present in population databases (gnomAD no frequency). This variant has not been reported in the literature in individuals affected with CTNNA1-related conditions. ClinVar contains an entry for this variant (Variation ID: 1046697). Algorithms developed to predict the effect of missense changes on protein structure and function are either unavailable or do not agree on the potential impact of this missense change (SIFT: "Deleterious"; PolyPhen-2: "Possibly Damaging"; Align-GVGD: "Class C0"). In summary, the available evidence is currently insufficient to determine the role of this variant in disease. Therefore, it has been classified as a Variant of Uncertain Significance.